The following is an entry in ClinVar:

NM_019892.6(INPP5E):c.1266G>A (p.Thr422=)

Gene: INPP5E (inositol polyphosphate-5-phosphatase E; minus strand). Cytogenetic location: 9q34.3.
Variant type: single nucleotide variant.
Coding change: c.1266G>A on transcript NM_019892.6 (MANE Select); coding-DNA position 1266, G replaced by A.
Protein change: p.Thr422=; no amino-acid change (threonine 422 retained).
Molecular consequence: synonymous variant.
Genome position (GRCh38, 1-based): chr9:136,432,969, C>T on the plus strand (G>A on the coding strand, the complement: INPP5E is on the minus strand). VCF-style: chr9-136432969-C-T. GRCh37 (hg19) VCF-style: chr9-139327421-C-T.
Other names: c.1266G>A (NM_019892.5); c.1266G>A, p.Thr422= (NM_001318502.2).
Identifiers: ClinVar variation 1158029 (VCV001158029.10), dbSNP rs749680652, ClinGen allele CA5336867.

ClinVar aggregate classification (germline): Likely benign. Review status: criteria provided, multiple submitters, no conflicts (2 of 4 stars). 2 submissions from 2 submitters: Likely benign (2). Last evaluated 2026-01-17.

Conditions:
INPP5E-related disorder. Also called: INPP5E-related condition.
Joubert syndrome. Also called: JOUBERT-BOLTSHAUSER SYNDROME; Familial aplasia of the vermis. Identifiers: Orphanet 475, MedGen C5979921, MONDO:0018772.

Allele frequency attached by ClinVar (database versions not stated): TOPMed 0.00002; ExAC 0.00003; gnomAD 0.00003 and 0.00004; gnomAD exomes 0.00003 and 0.00005.
gnomAD v4.1: 78 of 1,613,052 alleles (0.0048%); highest among the groups gnomAD compares: Non-Finnish European, 0.0048%; no homozygotes.

Submissions (2):

Labcorp Genetics (formerly Invitae), Labcorp
Classification: Likely benign for Joubert syndrome. Last evaluated: 2026-01-17. Review status: criteria provided, single submitter. Criteria: Invitae Variant Classification Sherloc (09022015). Collection method: clinical testing. Allele origin: germline.

PreventionGenetics, part of Exact Sciences
Classification: Likely benign for INPP5E-related condition. Last evaluated: 2025-06-04. Review status: criteria provided, single submitter. Criteria: ACMG Guidelines, 2015. Collection method: clinical testing. Allele origin: germline.
Comment: This variant is classified as likely benign based on ACMG/AMP sequence variant interpretation guidelines (Richards et al. 2015 PMID: 25741868, with internal and published modifications).